The following is an entry in ClinVar:

ClinVar aggregate classification (germline): Uncertain significance (1 of 4 stars; one submission).

Conditions:
Fanconi anemia complementation group J. Also called: BRIP1-Related Fanconi Anemia. Identifiers: Orphanet 84, MedGen C1836860, MONDO:0012187, OMIM 609054.
Familial cancer of breast. Also called: hereditary breast carcinoma; BREAST CANCER, FAMILIAL; Hereditary breast cancer. Identifiers: Orphanet 227535, MedGen C0346153, MONDO:0016419, OMIM 114480. Disease mechanism: loss of function.

Submission:

Labcorp Genetics (formerly Invitae), Labcorp
Classification: Uncertain significance for Familial cancer of breast; Fanconi anemia complementation group J. Last evaluated: 2022-08-23. Review status: criteria provided, single submitter. Criteria: Invitae Variant Classification Sherloc (09022015). Collection method: clinical testing. Allele origin: germline.
Comment: This variant results in a copy number gain of the genomic region encompassing exon(s) 7-20 of the BRIP1 gene. This region includes the termination codon of the gene. This copy number gain extends beyond the assayed region for this gene and therefore may encompass additional genes. As the precise location of this event is unknown, it may be in tandem or it may be located elsewhere in the genome. This variant has not been reported in the literature in individuals affected with BRIP1-related conditions. In summary, the available evidence is currently insufficient to determine the role of this variant in disease. Therefore, it has been classified as a Variant of Uncertain Significance.

NC_000017.11:g.(?_61683286)_(61808767_?)dup

Gene: BRIP1 (BRCA1 interacting DNA helicase 1; minus strand). Cytogenetic location: 17q23.2.
Variant type: Duplication.
Identifiers: ClinVar variation 831968 (VCV000831968.3).